The following is an entry in ClinVar:

NM_000517.6(HBA2):c.283G>A (p.Asp95Asn)

Genes: HBA2 (hemoglobin subunit alpha 2; plus strand), LOC106804612 (hemoglobin subunit alpha 2 recombination region; plus strand). Cytogenetic location: 16p13.3.
Variant type: single nucleotide variant.
Coding change: c.283G>A on transcript NM_000517.6 (MANE Select); coding-DNA position 283, G replaced by A.
Protein change: p.Asp95Asn; replaces aspartic acid 95 with asparagine.
Molecular consequence: missense variant.
Genome position (GRCh38, 1-based): chr16:173,312, G>A. VCF-style: chr16-173312-G-A. GRCh37 (hg19) VCF-style: chr16-223311-G-A.
Other names: short protein forms D95N.
Identifiers: ClinVar variation 1330041 (VCV001330041.1), dbSNP rs281864878, ClinGen allele CA276415062.

ClinVar aggregate classification (germline): Pathogenic (1 of 4 stars; one submission).

Submission:

Quest Diagnostics Nichols Institute San Juan Capistrano
Classification: Pathogenic. Last evaluated: 2020-12-14. Review status: criteria provided, single submitter. Criteria: Quest Diagnostics criteria. Collection method: clinical testing. Allele origin: unknown.
Comment: Not found in the total gnomAD dataset, and the data is high quality. Found in at least one patient with expected phenotype for this gene. Predicted to have a damaging effect on the protein. One other pathogenic or likely pathogenic variant affects the same amino acid. Assessment of experimental evidence suggests this variant results in abnormal protein function.

Literature cited by the submitters: PubMed 1164512; PubMed 15551405; PubMed 16462584; PubMed 25630213; PubMed 28160324; PubMed 28588857.